The following is an entry in ClinVar:

NM_006231.4(POLE):c.5703T>A (p.His1901Gln)

Gene: POLE (DNA polymerase epsilon, catalytic subunit; minus strand). Cytogenetic location: 12q24.33.
Variant type: single nucleotide variant.
Coding change: c.5703T>A on transcript NM_006231.4 (MANE Select); coding-DNA position 5703, T replaced by A.
Protein change: p.His1901Gln; replaces histidine 1901 with glutamine.
Molecular consequence: missense variant.
Genome position (GRCh38, 1-based): chr12:132,636,000, A>T on the plus strand (T>A on the coding strand, the complement: POLE is on the minus strand). VCF-style: chr12-132636000-A-T. GRCh37 (hg19) VCF-style: chr12-133212586-A-T.
Other names: c.5703T>A (NM_006231.2); short protein forms H1901Q.
Identifiers: ClinVar variation 644712 (VCV000644712.11), dbSNP rs764439900, ClinGen allele CA387373213.

ClinVar aggregate classification (germline): Uncertain significance. Review status: criteria provided, multiple submitters, no conflicts (2 of 4 stars). 2 submissions from 2 submitters: Uncertain significance (2). Last evaluated 2025-06-08.

Conditions:
Hereditary cancer-predisposing syndrome. Also called: Hereditary Cancer Syndrome; Tumor predisposition; Hereditary neoplastic syndrome; Neoplastic Syndromes, Hereditary. Identifiers: Orphanet 140162, MedGen C0027672, MeSH D009386, MONDO:0015356.

Submissions (2):

Labcorp Genetics (formerly Invitae), Labcorp
Classification: Uncertain significance. Last evaluated: 2025-06-08. Review status: criteria provided, single submitter. Criteria: Invitae Variant Classification Sherloc (09022015). Collection method: clinical testing. Allele origin: germline.
Comment: This sequence change replaces histidine, which is basic and polar, with glutamine, which is neutral and polar, at codon 1901 of the POLE protein (p.His1901Gln). This variant is not present in population databases (gnomAD no frequency). This variant has not been reported in the literature in individuals affected with POLE-related conditions. ClinVar contains an entry for this variant (Variation ID: 644712). Invitae Evidence Modeling of protein sequence and biophysical properties (such as structural, functional, and spatial information, amino acid conservation, physicochemical variation, residue mobility, and thermodynamic stability) indicates that this missense variant is not expected to disrupt POLE protein function with a negative predictive value of 80%. In summary, the available evidence is currently insufficient to determine the role of this variant in disease. Therefore, it has been classified as a Variant of Uncertain Significance.

Ambry Genetics
Classification: Uncertain significance for Hereditary cancer-predisposing syndrome. Last evaluated: 2024-06-17. Review status: criteria provided, single submitter. Criteria: Ambry Variant Classification Scheme 2023. Collection method: clinical testing. Allele origin: germline.
Comment: The p.H1901Q variant (also known as c.5703T>A), located in coding exon 42 of the POLE gene, results from a T to A substitution at nucleotide position 5703. The histidine at codon 1901 is replaced by glutamine, an amino acid with highly similar properties. This amino acid position is conserved. In addition, the in silico prediction for this alteration is inconclusive. Based on the available evidence, the clinical significance of this variant remains unclear.